The following is an entry in ClinVar:

NM_000038.6(APC):c.834+2538T>C

Gene: APC (APC regulator of WNT signaling pathway; plus strand). Cytogenetic location: 5q22.2.
Variant type: single nucleotide variant.
Coding change: c.834+2538T>C on transcript NM_000038.6 (MANE Select); 2538 bases into the intron after coding-DNA position 834, T replaced by C.
Molecular consequence: intron variant.
Genome position (GRCh38, 1-based): chr5:112,803,921, T>C. VCF-style: chr5-112803921-T-C. GRCh37 (hg19) VCF-style: chr5-112139618-T-C.
Other names: c.834+2538T>C (NM_001354895.2, NM_001127510.3, NM_001354896.2 and 1 more transcripts); c.864+2538T>C (NM_001354897.2, NM_001354902.2); c.780+2538T>C (NM_001127511.3); c.759+2538T>C (NM_001354898.2, NM_001354904.2); c.-202+2538T>C (NM_001354906.2); c.750+2538T>C (NM_001354899.2); c.657+2538T>C (NM_001354900.2, NM_001354901.2, NM_001354905.2).
Identifiers: ClinVar variation 82517 (VCV000082517.2), dbSNP rs78431508, ClinGen allele CA014636.

ClinVar aggregate classification (germline): other (0 of 4 stars; one submission).

Conditions:
Familial colorectal cancer. Identifiers: MedGen CN280943, MONDO:0023113. Disease mechanism: loss of function.

Submission:

Systems Biology Platform Zhejiang California International NanoSystems Institute
Classification: other for Familial colorectal cancer. Review status: no assertion criteria provided. Collection method: not provided. Allele origin: unknown.
ClinVar note: Converted during submission from cancer to other.